The following is an entry in ClinVar:

NM_033100.4(CDHR1):c.2301C>A (p.Phe767Leu)

Gene: CDHR1 (cadherin related family member 1; plus strand). Cytogenetic location: 10q23.1.
Variant type: single nucleotide variant.
Coding change: c.2301C>A on transcript NM_033100.4 (MANE Select); coding-DNA position 2301, C replaced by A.
Protein change: p.Phe767Leu; replaces phenylalanine 767 with leucine.
Molecular consequence: missense variant. On other transcripts: intron variant (1).
Genome position (GRCh38, 1-based): chr10:84,214,342, C>A. VCF-style: chr10-84214342-C-A. GRCh37 (hg19) VCF-style: chr10-85974098-C-A.
Other names: c.2040+994C>A (NM_001171971.3); short protein forms F767L.
Identifiers: ClinVar variation 862748 (VCV000862748.9), dbSNP rs1842391040, ClinGen allele CA377379797.

ClinVar aggregate classification (germline): Uncertain significance (1 of 4 stars; one submission).

Allele frequency attached by ClinVar (database versions not stated): gnomAD 0.00001; TOPMed 0.00001.
gnomAD v4.1: 2 of 1,614,092 alleles (0.00012%); highest among the groups gnomAD compares: Admixed American, 0.0033%; no homozygotes.

Submission:

Labcorp Genetics (formerly Invitae), Labcorp
Classification: Uncertain significance. Last evaluated: 2022-06-13. Review status: criteria provided, single submitter. Criteria: Invitae Variant Classification Sherloc (09022015). Collection method: clinical testing. Allele origin: germline.
Comment: In summary, the available evidence is currently insufficient to determine the role of this variant in disease. Therefore, it has been classified as a Variant of Uncertain Significance. Advanced modeling of protein sequence and biophysical properties (such as structural, functional, and spatial information, amino acid conservation, physicochemical variation, residue mobility, and thermodynamic stability) performed at Invitae indicates that this missense variant is not expected to disrupt CDHR1 protein function. ClinVar contains an entry for this variant (Variation ID: 862748). This variant has not been reported in the literature in individuals affected with CDHR1-related conditions. This variant is not present in population databases (gnomAD no frequency). This sequence change replaces phenylalanine, which is neutral and non-polar, with leucine, which is neutral and non-polar, at codon 767 of the CDHR1 protein (p.Phe767Leu).